The following is an entry in ClinVar:

ClinVar aggregate classification (germline): Uncertain significance (1 of 4 stars; one submission).

Conditions:
Myopathy, tubular aggregate, 2 (TAM2). Identifiers: MedGen C4014557, MONDO:0014383, OMIM 615883.
Combined immunodeficiency due to ORAI1 deficiency. Also called: IMMUNODEFICIENCY 9. Identifiers: Orphanet 169090, Orphanet 317428, MedGen C2748568, MONDO:0013007, OMIM 612782.

Submission:

Labcorp Genetics (formerly Invitae), Labcorp
Classification: Uncertain significance for Myopathy, tubular aggregate, 2; Combined immunodeficiency due to ORAI1 deficiency. Last evaluated: 2022-08-11. Review status: criteria provided, single submitter. Criteria: Invitae Variant Classification Sherloc (09022015). Collection method: clinical testing. Allele origin: germline.
Comment: In summary, the available evidence is currently insufficient to determine the role of this variant in disease. Therefore, it has been classified as a Variant of Uncertain Significance. Experimental studies and prediction algorithms are not available or were not evaluated, and the functional significance of this variant is currently unknown. This variant has not been reported in the literature in individuals affected with ORAI1-related conditions. This variant is not present in population databases (gnomAD no frequency). This sequence change replaces proline, which is neutral and non-polar, with serine, which is neutral and polar, at codon 53 of the ORAI1 protein (p.Pro53Ser).

NC_000012.12:g.121626904C>T

Genes: ORAI1 (ORAI calcium release-activated calcium modulator 1; plus strand), LOC130008987 (ATAC-STARR-seq lymphoblastoid silent region 4981; plus strand). Cytogenetic location: 12q24.31.
Variant type: single nucleotide variant.
Genome position: GRCh38 VCF-style: chr12-121626904-C-T. GRCh37 (hg19) VCF-style: chr12-122064810-C-T.
Other names: c.157C>T, p.Pro53Ser (NM_032790.4); short protein forms P53S.
Identifiers: ClinVar variation 2015057 (VCV002015057.4), dbSNP rs2503522352, ClinGen allele CA386980850.